The following is an entry in ClinVar:

ClinVar aggregate classification (germline): Uncertain significance (1 of 4 stars; one submission).

Allele frequency attached by ClinVar (database versions not stated): gnomAD exomes below 0.00001.
gnomAD v4.1: 2 of 1,611,398 alleles (0.00012%); highest among the groups gnomAD compares: East Asian, 0.0022%; no homozygotes.

Submission:

Labcorp Genetics (formerly Invitae), Labcorp
Classification: Uncertain significance. Last evaluated: 2022-06-05. Review status: criteria provided, single submitter. Criteria: Invitae Variant Classification Sherloc (09022015). Collection method: clinical testing. Allele origin: germline.
Comment: In summary, the available evidence is currently insufficient to determine the role of this variant in disease. Therefore, it has been classified as a Variant of Uncertain Significance. Advanced modeling of protein sequence and biophysical properties (such as structural, functional, and spatial information, amino acid conservation, physicochemical variation, residue mobility, and thermodynamic stability) performed at Invitae indicates that this missense variant is not expected to disrupt ADCY5 protein function. ClinVar contains an entry for this variant (Variation ID: 1381565). This variant has not been reported in the literature in individuals affected with ADCY5-related conditions. This variant is not present in population databases (gnomAD no frequency). This sequence change replaces aspartic acid, which is acidic and polar, with asparagine, which is neutral and polar, at codon 703 of the ADCY5 protein (p.Asp703Asn).

NM_183357.3(ADCY5):c.2107G>A (p.Asp703Asn)

Gene: ADCY5 (adenylate cyclase 5; minus strand). Cytogenetic location: 3q21.1.
Variant type: single nucleotide variant.
Coding change: c.2107G>A on transcript NM_183357.3 (MANE Select); coding-DNA position 2107, G replaced by A.
Protein change: p.Asp703Asn; replaces aspartic acid 703 with asparagine.
Molecular consequence: missense variant.
Genome position (GRCh38, 1-based): chr3:123,320,753, C>T on the plus strand (G>A on the coding strand, the complement: ADCY5 is on the minus strand). VCF-style: chr3-123320753-C-T. GRCh37 (hg19) VCF-style: chr3-123039600-C-T.
Other names: c.1057G>A, p.Asp353Asn (NM_001199642.1); c.2107G>A, p.Asp703Asn (NM_001378259.1); short protein forms D703N, D353N.
Identifiers: ClinVar variation 1381565 (VCV001381565.6), dbSNP rs1576569004, ClinGen allele CA354218074.